The following is an entry in ClinVar:

NM_152415.3(VPS37A):c.804C>G (p.Asp268Glu)

Gene: VPS37A (VPS37A subunit of ESCRT-I; plus strand). Cytogenetic location: 8p22.
Variant type: single nucleotide variant.
Coding change: c.804C>G on transcript NM_152415.3 (MANE Select); coding-DNA position 804, C replaced by G.
Protein change: p.Asp268Glu; replaces aspartic acid 268 with glutamic acid.
Molecular consequence: missense variant.
Genome position (GRCh38, 1-based): chr8:17,280,118, C>G. VCF-style: chr8-17280118-C-G. GRCh37 (hg19) VCF-style: chr8-17137627-C-G.
Other names: c.729C>G, p.Asp243Glu (NM_001145152.2); c.804C>G, p.Asp268Glu (NM_001363167.1, NM_001363173.2); c.534C>G, p.Asp178Glu (NM_001363168.1, NM_001363169.1, NM_001363170.1 and 2 more transcripts); short protein forms D243E, D268E, D178E.
Identifiers: ClinVar variation 4698034 (VCV004698034.1).

ClinVar aggregate classification (germline): Uncertain significance (1 of 4 stars; one submission).

Conditions:
Hereditary spastic paraplegia 53. Also called: Spastic paraplegia 53, autosomal recessive. Identifiers: Orphanet 319199, MedGen C3539494, MONDO:0013962, OMIM 614898.

Submission:

Labcorp Genetics (formerly Invitae), Labcorp
Classification: Uncertain significance for Hereditary spastic paraplegia 53. Last evaluated: 2025-07-24. Review status: criteria provided, single submitter. Criteria: Invitae Variant Classification Sherloc (09022015). Collection method: clinical testing. Allele origin: germline.
Comment: This sequence change replaces aspartic acid, which is acidic and polar, with glutamic acid, which is acidic and polar, at codon 268 of the VPS37A protein (p.Asp268Glu). This variant is not present in population databases (gnomAD no frequency). This variant has not been reported in the literature in individuals affected with VPS37A-related conditions. Invitae Evidence Modeling of protein sequence and biophysical properties (such as structural, functional, and spatial information, amino acid conservation, physicochemical variation, residue mobility, and thermodynamic stability) indicates that this missense variant is not expected to disrupt VPS37A protein function with a negative predictive value of 80%. In summary, the available evidence is currently insufficient to determine the role of this variant in disease. Therefore, it has been classified as a Variant of Uncertain Significance.